The following is an entry in ClinVar:

NM_016169.4(SUFU):c.875G>A (p.Cys292Tyr)

Gene: SUFU (SUFU negative regulator of hedgehog signaling; plus strand). Cytogenetic location: 10q24.32.
Variant type: single nucleotide variant.
Coding change: c.875G>A on transcript NM_016169.4 (MANE Select); coding-DNA position 875, G replaced by A.
Protein change: p.Cys292Tyr; replaces cysteine 292 with tyrosine.
Molecular consequence: missense variant.
Genome position (GRCh38, 1-based): chr10:102,597,258, G>A. VCF-style: chr10-102597258-G-A. GRCh37 (hg19) VCF-style: chr10-104357015-G-A.
Other names: c.875G>A, p.Cys292Tyr (NM_001178133.2); c.875G>A (NM_016169.3); short protein forms C292Y.
Identifiers: ClinVar variation 161552 (VCV000161552.8), dbSNP rs193921097, ClinGen allele CA174323.

ClinVar aggregate classification (germline): Uncertain significance. Review status: criteria provided, multiple submitters, no conflicts (2 of 4 stars). 3 submissions from 3 submitters: Uncertain significance (2). 1 of the submissions does not count toward it. Last evaluated 2025-03-31.

Conditions:
Gorlin syndrome. Also called: Nevoid Basal Cell Carcinoma Syndrome; Basal cell nevus syndrome. Identifiers: Orphanet 377, MedGen C0004779, MONDO:0007187.
Medulloblastoma (MDB). Also called: Medulloblastoma, somatic; MEDULLOBLASTOMA PREDISPOSITION SYNDROME. Identifiers: Orphanet 616, MedGen C0025149, MeSH D008527, MONDO:0007959, OMIM 155255, HP:0002885.
Hereditary cancer-predisposing syndrome. Also called: Neoplastic Syndromes, Hereditary; Hereditary neoplastic syndrome; Hereditary Cancer Syndrome; Tumor predisposition. Identifiers: Orphanet 140162, MedGen C0027672, MeSH D009386, MONDO:0015356.
Prostate cancer. Also called: Malignant tumor of prostate. Identifiers: Orphanet 1331, MedGen C0376358, MONDO:0008315, HP:0012125.

Submissions (3):

Ambry Genetics
Classification: Uncertain significance for Hereditary cancer-predisposing syndrome. Last evaluated: 2025-03-31. Review status: criteria provided, single submitter. Criteria: Ambry Variant Classification Scheme 2023. Collection method: clinical testing. Allele origin: germline.
Comment: The p.C292Y variant (also known as c.875G>A), located in coding exon 7 of the SUFU gene, results from a G to A substitution at nucleotide position 875. The cysteine at codon 292 is replaced by tyrosine, an amino acid with highly dissimilar properties. This amino acid position is conserved. In addition, the in silico prediction for this alteration is inconclusive. Based on the available evidence, the clinical significance of this variant remains unclear.

Labcorp Genetics (formerly Invitae), Labcorp
Classification: Uncertain significance for Gorlin syndrome; Medulloblastoma. Last evaluated: 2022-03-05. Review status: criteria provided, single submitter. Criteria: Invitae Variant Classification Sherloc (09022015). Collection method: clinical testing. Allele origin: germline.
Comment: This variant is not present in population databases (gnomAD no frequency). This sequence change replaces cysteine, which is neutral and slightly polar, with tyrosine, which is neutral and polar, at codon 292 of the SUFU protein (p.Cys292Tyr). This variant has not been reported in the literature in individuals affected with SUFU-related conditions. In summary, the available evidence is currently insufficient to determine the role of this variant in disease. Therefore, it has been classified as a Variant of Uncertain Significance. Algorithms developed to predict the effect of missense changes on protein structure and function are either unavailable or do not agree on the potential impact of this missense change (SIFT: "Deleterious"; PolyPhen-2: "Possibly Damaging"; Align-GVGD: "Class C0"). ClinVar contains an entry for this variant (Variation ID: 161552).

Science for Life laboratory,  Karolinska Institutet
Classification: Uncertain significance for Malignant tumor of prostate. Review status: no assertion criteria provided. Collection method: not provided. Allele origin: somatic. Not counted in ClinVar's aggregate classification.
Comment: TumorID:SWE-91A
ClinVar note: Converted during submission from Unknown to Uncertain significance.